The following is an entry in ClinVar:

NM_033380.3(COL4A5):c.1895G>A (p.Gly632Asp)

Gene: COL4A5 (collagen type IV alpha 5 chain; plus strand). Cytogenetic location: Xq22.3.
Variant type: single nucleotide variant.
Coding change: c.1895G>A on transcript NM_033380.3 (MANE Select); coding-DNA position 1895, G replaced by A.
Protein change: p.Gly632Asp; replaces glycine 632 with aspartic acid.
Molecular consequence: missense variant.
Genome position (GRCh38, 1-based): chrX:108,598,817, G>A. VCF-style: chrX-108598817-G-A. GRCh37 (hg19) VCF-style: chrX-107842047-G-A.
Other names: c.1895G>A, p.Gly632Asp (NM_000495.5); c.1895G>A (NM_033380.1); short protein forms G632D.
Identifiers: ClinVar variation 2138697 (VCV002138697.5), dbSNP rs104886145, ClinGen allele CA258567.

ClinVar aggregate classification (germline): Pathogenic. Review status: criteria provided, multiple submitters, no conflicts (2 of 4 stars). 2 submissions from 2 submitters: Pathogenic (2). Last evaluated 2024-11-21.

Submissions (2):

GeneDx
Classification: Pathogenic. Last evaluated: 2024-11-21. Review status: criteria provided, single submitter. Criteria: GeneDx Variant Classification Process June 2021. Collection method: clinical testing. Allele origin: germline. Affected: yes.
Comment: Affects a glycine residue in a Gly-X-Y motif in the triple helical region of the COL4A5 gene, where the majority of pathogenic missense variants occur, and is predicted to disrupt normal protein folding and function (HGMD; PMID: 10752524); Not observed at significant frequency in large population cohorts (gnomAD); In silico analysis supports that this missense variant has a deleterious effect on protein structure/function; This variant is associated with the following publications: (PMID: 10752524, 8940267)

Labcorp Genetics (formerly Invitae), Labcorp
Classification: Pathogenic. Last evaluated: 2023-12-19. Review status: criteria provided, single submitter. Criteria: Invitae Variant Classification Sherloc (09022015). Collection method: clinical testing. Allele origin: germline.
Comment: This sequence change replaces glycine, which is neutral and non-polar, with aspartic acid, which is acidic and polar, at codon 632 of the COL4A5 protein (p.Gly632Asp). This variant is not present in population databases (gnomAD no frequency). This missense change has been observed in individual(s) with Alport syndrome (PMID: 8940267). In at least one individual the variant was observed to be de novo. ClinVar contains an entry for this variant (Variation ID: 2138697). Advanced modeling of protein sequence and biophysical properties (such as structural, functional, and spatial information, amino acid conservation, physicochemical variation, residue mobility, and thermodynamic stability) performed at Invitae indicates that this missense variant is expected to disrupt COL4A5 protein function with a positive predictive value of 95%. This variant disrupts the triple helix domain of COL4A5. Glycine residues within the Gly-Xaa-Yaa repeats of the triple helix domain are required for the structure and stability of fibrillar collagens (PMID: 7695699, 8218237, 19344236). In COL4A5, missense variants at these glycine residues are significantly enriched in individuals with disease (PMID: 23720012, 27627812) compared to the general population (ExAC). For these reasons, this variant has been classified as Pathogenic.

Literature cited by the submitters: PubMed 8940267 (cited by Labcorp Genetics (formerly Invitae), Labcorp); PubMed 7695699 (cited by Labcorp Genetics (formerly Invitae), Labcorp); PubMed 8218237 (cited by Labcorp Genetics (formerly Invitae), Labcorp); PubMed 19344236 (cited by Labcorp Genetics (formerly Invitae), Labcorp); PubMed 23720012 (cited by Labcorp Genetics (formerly Invitae), Labcorp); PubMed 27627812 (cited by Labcorp Genetics (formerly Invitae), Labcorp).